The following is an entry in ClinVar:

ClinVar aggregate classification (germline): Pathogenic (1 of 4 stars; one submission).

Conditions:
Fetal akinesia deformation sequence 1 (FADS1). Also called: Pena-Shokeir syndrome type I; Fetal akinesia sequence. Identifiers: Orphanet 994, MedGen C1276035, MONDO:0100101, OMIM 208150, HP:0001989.
Congenital myasthenic syndrome 10. Also called: Myasthenia, limb-girdle, familial. Identifiers: Orphanet 590, MedGen C1850792, MONDO:0009690, OMIM 254300.

Submission:

Labcorp Genetics (formerly Invitae), Labcorp
Classification: Pathogenic for Congenital myasthenic syndrome 10; Fetal akinesia deformation sequence 1. Last evaluated: 2023-10-06. Review status: criteria provided, single submitter. Criteria: Invitae Variant Classification Sherloc (09022015). Collection method: clinical testing. Allele origin: germline.
Comment: This sequence change creates a premature translational stop signal (p.Trp100Leufs*14) in the DOK7 gene. It is expected to result in an absent or disrupted protein product. Loss-of-function variants in DOK7 are known to be pathogenic (PMID: 16794080, 16917026, 18626973, 19261599). This variant is not present in population databases (gnomAD no frequency). This variant has not been reported in the literature in individuals affected with DOK7-related conditions. For these reasons, this variant has been classified as Pathogenic.

Literature cited by the submitters: PubMed 16794080; PubMed 16917026; PubMed 18626973; PubMed 19261599.

NM_173660.5(DOK7):c.298dup (p.Trp100fs)

Gene: DOK7 (docking protein 7; plus strand). Cytogenetic location: 4p16.3.
Variant type: Duplication.
Coding change: c.298dup on transcript NM_173660.5 (MANE Select); coding-DNA position 298, one base duplicated (T; older notation c.298dupT).
Protein change: p.Trp100fs; shifts the reading frame from tryptophan 100.
Molecular consequence: frameshift variant. On other transcripts: intron variant (1).
Genome position (GRCh38, 1-based): chr4:3,473,603, T duplicated. VCF-style (leftmost placement, unchanged base first): chr4-3473602-G-GT. GRCh37 (hg19) VCF-style: chr4-3475329-G-GT.
Other names: c.298dup, p.Trp100fs (NM_001164673.2, NM_001301071.2); c.100+10052dup (NM_001363811.2); short protein forms W100fs.
Identifiers: ClinVar variation 2952641 (VCV002952641.3), dbSNP rs2474995471, ClinGen allele CA2740091096.
Genomic context (GRCh38, chr4:3,473,602, plus strand): 5'-CATTGTCTGCCTGTCCCAGGCCATCATGCTGGGCTTTGACAGCCACGAGGCCATGTGTGC[G>GT]TGGGATGCCCGGATCCGCTATGCGCTCGGCGAGGGTGAGTGACGGGGGCCGGGGCCGGGC-3'